The following is an entry in ClinVar:

ClinVar aggregate classification (germline): Uncertain significance (1 of 4 stars; one submission).

Submission:

Labcorp Genetics (formerly Invitae), Labcorp
Classification: Uncertain significance. Last evaluated: 2022-03-04. Review status: criteria provided, single submitter. Criteria: Invitae Variant Classification Sherloc (09022015). Collection method: clinical testing. Allele origin: germline.
Comment: In summary, the available evidence is currently insufficient to determine the role of this variant in disease. Therefore, it has been classified as a Variant of Uncertain Significance. This variant disrupts a region of the NAXD protein in which other variant(s) (p.Ser371Leu) have been observed in individuals with NAXD-related conditions (PMID: 30576410). This suggests that this is a clinically significant region of the protein, and that variants that disrupt it are likely to be disease-causing. This variant has not been reported in the literature in individuals affected with NAXD-related conditions. This variant is not present in population databases (gnomAD no frequency). This sequence change creates a premature translational stop signal (p.Ser301Tyrfs*4) in the NAXD gene. While this is not anticipated to result in nonsense mediated decay, it is expected to disrupt the last 90 amino acid(s) of the NAXD protein.

Literature cited by the submitters: PubMed 30576410.

NM_001242882.2(NAXD):c.840-132AT[3]

Gene: NAXD (NAD(P)HX dehydratase; plus strand). Cytogenetic location: 13q34.
Variant type: Microsatellite.
Coding change: c.840-132AT[3] on transcript NM_001242882.2 (MANE Select); three copies in a row of the 2-base unit AT starting at c.840-132; the reference has two copies in a row; one copy, 2 bases duplicated.
Molecular consequence: intron variant. On other transcripts: frameshift variant (1).
Genome position (GRCh38, 1-based): chr13:110,638,248-110,638,249, AT duplicated; duplicating any 2 consecutive bases within chr13:110,638,246-110,638,249 gives the same sequence; the position shown is the placement nearest the transcript's 3' end. VCF-style (leftmost placement, unchanged base first): chr13-110638245-C-CAT. GRCh37 (hg19) VCF-style: chr13-111290592-C-CAT.
Other names: c.900_901dup, p.Ser301fs (NM_018210.4); c.564-132AT[3] (NM_001242883.2); c.894-132AT[3] (NM_001242881.2); short protein forms S301fs.
Identifiers: ClinVar variation 2106135 (VCV002106135.4), dbSNP rs2501715029, ClinGen allele CA2580616541.